The following is an entry in ClinVar:

NM_007294.4(BRCA1):c.2380G>T (p.Ala794Ser)

Gene: BRCA1 (BRCA1 DNA repair associated; minus strand). Cytogenetic location: 17q21.31.
Variant type: single nucleotide variant.
Coding change: c.2380G>T on transcript NM_007294.4 (MANE Select); coding-DNA position 2380, G replaced by T.
Protein change: p.Ala794Ser; replaces alanine 794 with serine.
Molecular consequence: missense variant. On other transcripts: intron variant (137).
Genome position (GRCh38, 1-based): chr17:43,093,151, C>A on the plus strand (G>T on the coding strand, the complement: BRCA1 is on the minus strand). VCF-style: chr17-43093151-C-A. GRCh37 (hg19) VCF-style: chr17-41245168-C-A.
Other names: c.664+1593G>T (NM_001408426.1, NM_001408436.1, NM_001408444.1 and 12 more transcripts); c.787+1593G>T (NM_001407982.1, NM_001407970.1, NM_001407980.1 and 17 more transcripts); c.2167G>T, p.Ala723Ser (NM_001407571.1, NM_001407853.1, NM_001407894.1 and 9 more transcripts); c.2380G>T, p.Ala794Ser (NM_001407581.1, NM_001407582.1, NM_001407583.1 and 30 more transcripts); c.2377G>T, p.Ala793Ser (NM_001407587.1, NM_001407590.1, NM_001407591.1 and 22 more transcripts); c.2371G>T, p.Ala791Ser (NM_001407646.1, NM_001407647.1); c.2257G>T, p.Ala753Ser (NM_001407648.1, NM_001407664.1, NM_001407665.1 and 19 more transcripts); c.2254G>T, p.Ala752Ser (NM_001407649.1, NM_001407670.1, NM_001407671.1 and 11 more transcripts); and 41 more; short protein forms A682S, A706S, A791S, A794S, A498S, A683S, A727S, A747S.
Identifiers: ClinVar variation 1790446 (VCV001790446.5), dbSNP rs2053771031, ClinGen allele CA10597247.

ClinVar aggregate classification (germline): Conflicting classifications of pathogenicity. Review status: criteria provided, conflicting classifications (1 of 4 stars). 2 submissions from 2 submitters: Uncertain significance (1); Likely benign (1). Last evaluated 2023-06-13.

Conditions:
Hereditary cancer-predisposing syndrome. Also called: Hereditary Cancer Syndrome; Hereditary neoplastic syndrome; Tumor predisposition; Neoplastic Syndromes, Hereditary. Identifiers: Orphanet 140162, MedGen C0027672, MeSH D009386, MONDO:0015356.

Submissions (2):

Ambry Genetics
Classification: Uncertain significance for Hereditary cancer-predisposing syndrome. Last evaluated: 2023-06-13. Review status: criteria provided, single submitter. Criteria: Ambry Variant Classification Scheme 2023. Collection method: clinical testing. Allele origin: germline.
Comment: The p.A794S variant (also known as c.2380G>T), located in coding exon 9 of the BRCA1 gene, results from a G to T substitution at nucleotide position 2380. The alanine at codon 794 is replaced by serine, an amino acid with similar properties. This amino acid position is not well conserved in available vertebrate species. In addition, the in silico prediction for this alteration is inconclusive. Since supporting evidence is limited at this time, the clinical significance of this alteration remains unclear.

University of Washington Department of Laboratory Medicine, University of Washington
Classification: Likely benign for Hereditary cancer-predisposing syndrome. Last evaluated: 2023-03-23. Review status: criteria provided, single submitter. Criteria: Dines et al. (Genet Med. 2020). Collection method: curation. Allele origin: germline.
Comment: Missense variant in a coldspot region where missense variants are very unlikely to be pathogenic (PMID:31911673).

BRCA1 coldspot (exon 11 using historical exon numbering). Reclassification based on statistical prior probability